The following is an entry in ClinVar:

ClinVar aggregate classification (germline): Uncertain significance (1 of 4 stars; one submission).

Conditions:
Dubin-Johnson syndrome (DJS). Also called: Jaundice, Chronic Idiopathic; Hyperbilirubinemia type 2; HYPERBILIRUBINEMIA, DUBIN-JOHNSON TYPE. Identifiers: Orphanet 234, MedGen C0022350, MONDO:0009380, OMIM 237500.

Allele frequency attached by ClinVar (database versions not stated): gnomAD 0.00002 and 0.00003.
gnomAD v4.1: 119 of 1,614,096 alleles (0.0074%); highest among the groups gnomAD compares: East Asian, 0.23%; no homozygotes.

Submission:

Illumina Laboratory Services, Illumina
Classification: Uncertain significance for Dubin-Johnson syndrome. Last evaluated: 2017-04-27. Review status: criteria provided, single submitter. Criteria: ICSL Variant Classification Criteria 13 December 2019. Collection method: clinical testing. Allele origin: germline.
Comment: This variant was observed as part of a predisposition screen in an ostensibly healthy population. A literature search was performed for the gene, cDNA change, and amino acid change (where applicable). Publications were found based on this search. However, the evidence from the literature, in combination with allele frequency data from public databases where available, was not sufficient to rule this variant in or out of causing disease. Therefore, this variant is classified as a variant of unknown significance.

Literature cited by the submitters: PubMed 11901087; PubMed 22290738.

NM_000392.5(ABCC2):c.3732T>G (p.Asn1244Lys)

Gene: ABCC2 (ATP binding cassette subfamily C member 2; plus strand). Cytogenetic location: 10q24.2.
Variant type: single nucleotide variant.
Coding change: c.3732T>G on transcript NM_000392.5 (MANE Select); coding-DNA position 3732, T replaced by G.
Protein change: p.Asn1244Lys; replaces asparagine 1244 with lysine.
Molecular consequence: missense variant.
Genome position (GRCh38, 1-based): chr10:99,842,084, T>G. VCF-style: chr10-99842084-T-G. GRCh37 (hg19) VCF-style: chr10-101601841-T-G.
Other names: short protein forms N1244K.
Identifiers: ClinVar variation 879845 (VCV000879845.4), dbSNP rs757141905, ClinGen allele CA5643919.